The following is an entry in ClinVar:

ClinVar aggregate classification (germline): Likely benign (1 of 4 stars; one submission).

Submission:

CeGaT Center for Human Genetics Tuebingen
Classification: Likely benign. Last evaluated: 2026-07-01. Review status: criteria provided, single submitter. Criteria: CeGaT Center For Human Genetics Tuebingen Variant Classification Criteria Version 2. Collection method: clinical testing. Allele origin: germline. Affected: yes. Observed: 3 variant alleles.
Comment: ANKRD11: PM2:Supporting, BP4, BP7

NM_013275.6(ANKRD11):c.2718A>G (p.Arg906=)

Gene: ANKRD11 (ankyrin repeat domain 11; minus strand). Cytogenetic location: 16q24.3.
Variant type: single nucleotide variant.
Coding change: c.2718A>G on transcript NM_013275.6 (MANE Select); coding-DNA position 2718, A replaced by G.
Protein change: p.Arg906=; no amino-acid change (arginine 906 retained).
Molecular consequence: synonymous variant.
Genome position (GRCh38, 1-based): chr16:89,283,824, T>C on the plus strand (A>G on the coding strand, the complement: ANKRD11 is on the minus strand). VCF-style: chr16-89283824-T-C. GRCh37 (hg19) VCF-style: chr16-89350232-T-C.
Other names: c.2718A>G, p.Arg906= (NM_001256182.2, NM_001256183.2).
Identifiers: ClinVar variation 3234361 (VCV003234361.20), dbSNP rs2544240193, ClinGen allele CA497375171.
Genomic context (GRCh38, chr16:89,283,824, plus strand): 5'-CTTTTCGGTCTGCTCTTTCCTCTTCTCAGAGTTTTTATCCAAATAGTCCCTGTCCTTCTT[T>C]CGGAAGAAGGGCTCTCTGTAGTCTCGCTTCTCCCGGGCCCGGCTGTCCCGCCTCCTCTCC-3'
Protein context (NP_037407.4, residues 896-916): EKRDYREPFF[Arg906=]KKDRDYLDKN